The following is an entry in ClinVar:

ClinVar aggregate classification (germline): Likely benign. Review status: criteria provided, multiple submitters, no conflicts (2 of 4 stars). 2 submissions from 2 submitters: Likely benign (2). Last evaluated 2018-06-26.

Submissions (2):

Blueprint Genetics
Classification: Likely benign. Last evaluated: 2018-06-26. Review status: criteria provided, single submitter. Criteria: ACMG Guidelines, 2015. Collection method: clinical testing. Allele origin: germline.

GeneDx
Classification: Likely benign. Last evaluated: 2017-06-30. Review status: criteria provided, single submitter. Criteria: GeneDx Variant Classification (06012015). Collection method: clinical testing. Allele origin: germline. Affected: yes.
Comment: This variant is considered likely benign or benign based on one or more of the following criteria: it is a conservative change, it occurs at a poorly conserved position in the protein, it is predicted to be benign by multiple in silico algorithms, and/or has population frequency not consistent with disease.

NM_022124.6(CDH23):c.6713-1058GAG[9]

Gene: CDH23 (cadherin related 23; plus strand). Cytogenetic location: 10q22.1.
Variant type: Microsatellite.
Coding change: c.6713-1058GAG[9] on transcript NM_022124.6 (MANE Select); nine copies in a row of the 3-base unit GAG starting at c.6713-1058.
Molecular consequence: intron variant. On other transcripts: 5 prime UTR variant (2).
Genome position: GRCh38 VCF-style: chr10-71796045-A-AGAG. GRCh37 (hg19) VCF-style: chr10-73555802-A-AGAG.
Other names: c.-41AGG[9] (NM_001171933.1, NM_001171934.1).
Identifiers: ClinVar variation 517098 (VCV000517098.2), dbSNP rs747095097, ClinGen allele CA209467924.